The following is an entry in ClinVar:

NM_022042.4(SLC26A1):c.131T>C (p.Leu44Pro)

Genes: IDUA (alpha-L-iduronidase; plus strand), SLC26A1 (solute carrier family 26 member 1; minus strand). Cytogenetic location: 4p16.3.
Variant type: single nucleotide variant.
Coding change: c.131T>C on transcript NM_022042.4 (MANE Select); coding-DNA position 131, T replaced by C.
Protein change: p.Leu44Pro; replaces leucine 44 with proline.
Molecular consequence: missense variant. On other transcripts: intron variant (1).
Genome position (GRCh38, 1-based): chr4:991,573, A>G on the plus strand (T>C on the coding strand, the complement: SLC26A1 is on the minus strand). VCF-style: chr4-991573-A-G. GRCh37 (hg19) VCF-style: chr4-985361-A-G.
Other names: c.131T>C, p.Leu44Pro (NM_134425.4, NM_213613.4); c.299+3624A>G (NM_000203.5); c.131T>C (NM_213613.2); short protein forms L44P.
Identifiers: ClinVar variation 3611173 (VCV003611173.3).

ClinVar aggregate classification (germline): Conflicting classifications of pathogenicity. Review status: criteria provided, conflicting classifications (1 of 4 stars). 2 submissions from 2 submitters: Uncertain significance (1); Likely benign (1). Last evaluated 2025-08-04.

Conditions:
Inborn genetic diseases. Identifiers: MedGen C0950123, MeSH D030342.

gnomAD v4.1: 14 of 1,602,064 alleles (0.00087%); highest among the groups gnomAD compares: Non-Finnish European, 0.0011%; no homozygotes.

Submissions (2):

Ambry Genetics
Classification: Likely benign for Inborn genetic diseases. Last evaluated: 2025-08-04. Review status: criteria provided, single submitter. Criteria: Ambry Variant Classification Scheme 2023. Collection method: clinical testing. Allele origin: germline.

Labcorp Genetics (formerly Invitae), Labcorp
Classification: Uncertain significance. Last evaluated: 2024-05-07. Review status: criteria provided, single submitter. Criteria: Invitae Variant Classification Sherloc (09022015). Collection method: clinical testing. Allele origin: germline.
Comment: This sequence change replaces leucine, which is neutral and non-polar, with proline, which is neutral and non-polar, at codon 44 of the SLC26A1 protein (p.Leu44Pro). This variant is not present in population databases (gnomAD no frequency). This variant has not been reported in the literature in individuals affected with SLC26A1-related conditions. Algorithms developed to predict the effect of missense changes on protein structure and function output the following: SIFT: "Not Available"; PolyPhen-2: "Benign"; Align-GVGD: "Not Available". The proline amino acid residue is found in multiple mammalian species, which suggests that this missense change does not adversely affect protein function. In summary, the available evidence is currently insufficient to determine the role of this variant in disease. Therefore, it has been classified as a Variant of Uncertain Significance.